The following is an entry in ClinVar:

ClinVar aggregate classification (germline): Likely benign (1 of 4 stars; one submission).

Conditions:
ANOS1-related disorder. Also called: ANOS1-related condition.

gnomAD v4.1: 3 of 1,113,442 alleles (0.00027%); highest among the groups gnomAD compares: South Asian, 0.0021%; no homozygotes.

Submission:

PreventionGenetics, part of Exact Sciences
Classification: Likely benign for ANOS1-related condition. Last evaluated: 2025-03-23. Review status: criteria provided, single submitter. Criteria: ACMG Guidelines, 2015. Collection method: clinical testing. Allele origin: germline.
Comment: This variant is classified as likely benign based on ACMG/AMP sequence variant interpretation guidelines (Richards et al. 2015 PMID: 25741868, with internal and published modifications).

NM_000216.4(ANOS1):c.81C>G (p.Pro27=)

Gene: ANOS1 (anosmin 1; minus strand). Cytogenetic location: Xp22.31.
Variant type: single nucleotide variant.
Coding change: c.81C>G on transcript NM_000216.4 (MANE Select); coding-DNA position 81, C replaced by G.
Protein change: p.Pro27=; no amino-acid change (proline 27 retained).
Molecular consequence: synonymous variant.
Genome position (GRCh38, 1-based): chrX:8,731,956, G>C on the plus strand (C>G on the coding strand, the complement: ANOS1 is on the minus strand). VCF-style: chrX-8731956-G-C. GRCh37 (hg19) VCF-style: chrX-8699997-G-C.
Other names: c.81C>G, p.Pro27= (NM_001440775.1).
Identifiers: ClinVar variation 4984327 (VCV004984327.1).